The following is an entry in ClinVar:

NM_001845.6(COL4A1):c.2662G>A (p.Gly888Arg)

Gene: COL4A1 (collagen type IV alpha 1 chain; minus strand). Cytogenetic location: 13q34.
Variant type: single nucleotide variant.
Coding change: c.2662G>A on transcript NM_001845.6 (MANE Select); coding-DNA position 2662, G replaced by A.
Protein change: p.Gly888Arg; replaces glycine 888 with arginine.
Molecular consequence: missense variant.
Genome position (GRCh38, 1-based): chr13:110,177,896, C>T on the plus strand (G>A on the coding strand, the complement: COL4A1 is on the minus strand). VCF-style: chr13-110177896-C-T. GRCh37 (hg19) VCF-style: chr13-110830243-C-T.
Other names: c.2662G>A (NM_001845.5); short protein forms G888R.
Identifiers: ClinVar variation 209141 (VCV000209141.47), dbSNP rs797045034, ClinGen allele CA276133.

ClinVar aggregate classification (germline): Pathogenic/Likely pathogenic. Review status: criteria provided, multiple submitters, no conflicts (2 of 4 stars). 7 submissions from 7 submitters: Pathogenic (5); Likely pathogenic (1). 1 of the submissions does not count toward it. Last evaluated 2026-01-12.

Conditions:
COL4A1-related disorder. Also called: COL4A1-related condition; COL4A1-related disorders. Identifiers: MedGen CN376119, MONDO:0800461.
Brain small vessel disease 1 with or without ocular anomalies (BSVD1). Also called: BRAIN SMALL VESSEL DISEASE WITH HEMORRHAGE; GOULD SYNDROME 1; Brain small vessel disease with or without ocular anomalies; PORENCEPHALY, TYPE 1, AUTOSOMAL DOMINANT. Identifiers: Orphanet 2940, Orphanet 36383, Orphanet 99810, MedGen C4755307, MONDO:0008289, OMIM 175780.

Submissions (7):

Labcorp Genetics (formerly Invitae), Labcorp
Classification: Pathogenic. Last evaluated: 2026-01-12. Review status: criteria provided, single submitter. Criteria: Invitae Variant Classification Sherloc (09022015). Collection method: clinical testing. Allele origin: germline.
Comment: This sequence change replaces glycine, which is neutral and non-polar, with arginine, which is basic and polar, at codon 888 of the COL4A1 protein (p.Gly888Arg). This variant is not present in population databases (gnomAD no frequency). This missense change has been observed in individual(s) with clinical features of COL4A1-related conditions (PMID: 25719457, 25873210, 38298677). In at least one individual the variant was observed to be de novo. ClinVar contains an entry for this variant (Variation ID: 209141). Invitae Evidence Modeling of protein sequence and biophysical properties (such as structural, functional, and spatial information, amino acid conservation, physicochemical variation, residue mobility, and thermodynamic stability) indicates that this missense variant is expected to disrupt COL4A1 protein function with a positive predictive value of 95%. This variant disrupts the triple helix domain of COL4A1. Glycine residues within the Gly-Xaa-Yaa repeats of the triple helix domain are required for the structure and stability of fibrillar collagens (PMID: 7695699, 8218237, 19344236). In COL4A1 variants affecting these glycine residues are significantly enriched in individuals with disease (PMID: 9016532, 17078022) compared to the general population (ExAC). For these reasons, this variant has been classified as Pathogenic.

3billion
Classification: Pathogenic for Brain small vessel disease 1 with or without ocular anomalies. Last evaluated: 2023-11-21. Review status: criteria provided, single submitter. Criteria: ACMG Guidelines, 2015. Collection method: clinical testing. Allele origin: germline. Affected: yes.
Comment: The variant is not observed in the gnomAD v2.1.1 dataset. Predicted Consequence/Location: Missense changes are a common disease-causing mechanism. In silico tool predictions suggest damaging effect of the variant on gene or gene product [REVEL: 0.97 (>=0.6, sensitivity 0.68 and specificity 0.92); 3Cnet: 0.93 (>=0.6, sensitivity 0.72 and precision 0.9)]. Same nucleotide change resulting in same amino acid change has been previously reported as pathogenic/likely pathogenic with strong evidence (ClinVar ID: VCV000209141 /PMID: 25719457). The variant has been previously reported as assumed (i.e. paternity and maternity not confirmed) de novo in at least one similarly affected unrelated individual (PMID: 26633545). Therefore, this variant is classified as Pathogenic according to the recommendation of ACMG/AMP guideline.

Blueprint Genetics
Classification: Pathogenic for COL4A1-related disorders. Last evaluated: 2021-05-28. Review status: criteria provided, single submitter. Criteria: ACMG Guidelines, 2015. Collection method: clinical testing. Allele origin: germline. Affected: yes. Observed: 2 variant alleles.

GeneDx
Classification: Pathogenic. Last evaluated: 2019-03-15. Review status: criteria provided, single submitter. Criteria: GeneDx Variant Classification Process June 2021. Collection method: clinical testing. Allele origin: germline. Affected: yes.
Comment: In silico analysis, which includes protein predictors and evolutionary conservation, supports a deleterious effect; Not observed in large population cohorts (Lek et al., 2016); This variant is associated with the following publications: (PMID: 25719457)

CeGaT Center for Human Genetics Tuebingen
Classification: Pathogenic. Last evaluated: 2019-02-01. Review status: criteria provided, single submitter. Criteria: CeGaT Center For Human Genetics Tuebingen Variant Classification Criteria Version 2. Collection method: clinical testing. Allele origin: germline. Affected: yes. Observed: 1 variant allele.

Baylor Genetics
Classification: Likely pathogenic for Brain small vessel disease with hemorrhage; Familial porencephaly. Last evaluated: 2013-09-12. Review status: criteria provided, single submitter. Criteria: Yang et al. 2013. Collection method: clinical testing. Allele origin: de novo. Inheritance: Autosomal dominant inheritance. Affected: yes. Observed: 1 variant allele, 1 heterozygote. Study: Adult_WES.

PreventionGenetics, part of Exact Sciences
Classification: Pathogenic for COL4A1-related condition. Last evaluated: 2024-06-05. Review status: no assertion criteria provided. Collection method: clinical testing. Allele origin: germline. Not counted in ClinVar's aggregate classification.
Comment: The COL4A1 c.2662G>A variant is predicted to result in the amino acid substitution p.Gly888Arg. This variant has been reported in patients with COL4A1 related disorders, and has been documented as a de novo finding (Meuwissen et al. 2015. PubMed ID: 25719457; Coste et al. 2022. PubMed ID: 35150448). Glycine substitutions in the conserved triple helical domain of this gene are a frequent cause of disease, as seen in this patient. Of note, one other nucleotide change, causing the same missense alteration (c.2662G>C; p.Gly888Arg) has also been reported as a de novo finding in a patient with a COL4A1-related disease (Giorgio et al. 2015. PubMed ID: 25873210). This variant has not been reported in a large population database, indicating this variant is rare. This variant is interpreted as pathogenic.

Literature cited by the submitters: PubMed 25719457 (cited by Labcorp Genetics (formerly Invitae), Labcorp and 3billion); PubMed 25873210 (cited by Labcorp Genetics (formerly Invitae), Labcorp); PubMed 38298677 (cited by Labcorp Genetics (formerly Invitae), Labcorp); PubMed 7695699 (cited by Labcorp Genetics (formerly Invitae), Labcorp); PubMed 8218237 (cited by Labcorp Genetics (formerly Invitae), Labcorp); PubMed 19344236 (cited by Labcorp Genetics (formerly Invitae), Labcorp); PubMed 9016532 (cited by Labcorp Genetics (formerly Invitae), Labcorp); PubMed 17078022 (cited by Labcorp Genetics (formerly Invitae), Labcorp); PubMed 26633545 (cited by 3billion and Baylor Genetics).